The following is an entry in ClinVar:

ClinVar aggregate classification (germline): Uncertain significance. Review status: criteria provided, multiple submitters, no conflicts (2 of 4 stars). 3 submissions from 3 submitters: Uncertain significance (3). Last evaluated 2026-05-16.

Conditions:
Inborn genetic diseases. Identifiers: MedGen C0950123, MeSH D030342.
TECTA-related disorder. Also called: TECTA-related condition.

Allele frequency attached by ClinVar (database versions not stated): ExAC 0.00002; 1000 Genomes Project 30x 0.00016; 1000 Genomes Project 0.00020.

Submissions (3):

PreventionGenetics, part of Exact Sciences
Classification: Uncertain significance for TECTA-related condition. Last evaluated: 2026-05-16. Review status: criteria provided, single submitter. Criteria: ACMG Guidelines, 2015. Collection method: clinical testing. Allele origin: germline.
Comment: The TECTA c.2905G>A variant is predicted to result in the amino acid substitution p.Val969Met. To our knowledge, this variant has not been reported in the literature. This variant is reported in 0.0065% of alleles in individuals of South Asian descent in gnomAD. At this time, the clinical significance of this variant is uncertain due to the absence of conclusive functional and genetic evidence.

Ambry Genetics
Classification: Uncertain significance for Inborn genetic diseases. Last evaluated: 2025-08-12. Review status: criteria provided, single submitter. Criteria: Ambry Variant Classification Scheme 2023. Collection method: clinical testing. Allele origin: germline.

Labcorp Genetics (formerly Invitae), Labcorp
Classification: Uncertain significance. Last evaluated: 2023-08-03. Review status: criteria provided, single submitter. Criteria: Invitae Variant Classification Sherloc (09022015). Collection method: clinical testing. Allele origin: germline.
Comment: In summary, the available evidence is currently insufficient to determine the role of this variant in disease. Therefore, it has been classified as a Variant of Uncertain Significance. Advanced modeling of protein sequence and biophysical properties (such as structural, functional, and spatial information, amino acid conservation, physicochemical variation, residue mobility, and thermodynamic stability) performed at Invitae indicates that this missense variant is not expected to disrupt TECTA protein function. This variant has not been reported in the literature in individuals affected with TECTA-related conditions. This variant is present in population databases (rs191801082, gnomAD 0.007%). This sequence change replaces valine, which is neutral and non-polar, with methionine, which is neutral and non-polar, at codon 969 of the TECTA protein (p.Val969Met).

NM_005422.4(TECTA):c.2905G>A (p.Val969Met)

Genes: TBCEL-TECTA (TBCEL-TECTA readthrough; plus strand), TECTA (tectorin alpha; plus strand), LOC126861365 (P300/CBP strongly-dependent group 1 enhancer GRCh37_chr11:121000154-121001353; plus strand). Cytogenetic location: 11q23.3.
Variant type: single nucleotide variant.
Coding change: c.2905G>A on transcript NM_005422.4 (MANE Select); coding-DNA position 2905, G replaced by A.
Protein change: p.Val969Met; replaces valine 969 with methionine.
Molecular consequence: missense variant.
Genome position (GRCh38, 1-based): chr11:121,130,175, G>A. VCF-style: chr11-121130175-G-A. GRCh37 (hg19) VCF-style: chr11-121000884-G-A.
Other names: c.3862G>A, p.Val1288Met (NM_001378761.1); c.2905G>A (NM_005422.2); short protein forms V969M, V1288M.
Identifiers: ClinVar variation 2974009 (VCV002974009.5), dbSNP rs191801082, ClinGen allele CA6327094.
Genomic context (GRCh38, chr11:121,130,175, plus strand): 5'-AATGAGTCAGAGCTCTGTGACTCTGTGGCCCGGTATGCAAGCGCCTGCAAGAATGCGGAC[G>A]TGGAGGTGGGGCCCTGGCGGACCTATGACTTCTGCCGTAAGTTGGGGTTGGATTCTGGGA-3'
Protein context (NP_005413.2, residues 959-979): RYASACKNAD[Val969Met]EVGPWRTYDF